The following is an entry in ClinVar:

ClinVar aggregate classification (germline): Uncertain significance. Review status: criteria provided, multiple submitters, no conflicts (2 of 4 stars). 3 submissions from 3 submitters: Uncertain significance (3). Last evaluated 2024-03-31.

Conditions:
Inborn genetic diseases. Identifiers: MedGen C0950123, MeSH D030342.
COG4-congenital disorder of glycosylation. Also called: CONGENITAL DISORDER OF GLYCOSYLATION, TYPE IIj; CDG IIj; COG4-CDG. Identifiers: Orphanet 263501, MedGen C4303552, MONDO:0013281, OMIM 613489.

Allele frequency attached by ClinVar (database versions not stated): ESP Exome Variant Server 0.00008; gnomAD 0.00012; TOPMed 0.00016; gnomAD exomes 0.00022 and 0.00033; ExAC 0.00024.
gnomAD v4.1: 489 of 1,612,686 alleles (0.03%); highest among the groups gnomAD compares: Non-Finnish European, 0.04%; no homozygotes.

Submissions (3):

Labcorp Genetics (formerly Invitae), Labcorp
Classification: Uncertain significance for COG4-congenital disorder of glycosylation. Last evaluated: 2024-03-31. Review status: criteria provided, single submitter. Criteria: Invitae Variant Classification Sherloc (09022015). Collection method: clinical testing. Allele origin: germline.
Comment: This sequence change replaces asparagine, which is neutral and polar, with serine, which is neutral and polar, at codon 742 of the COG4 protein (p.Asn742Ser). This variant is present in population databases (rs200259754, gnomAD 0.04%). This variant has not been reported in the literature in individuals affected with COG4-related conditions. ClinVar contains an entry for this variant (Variation ID: 392503). Advanced modeling of protein sequence and biophysical properties (such as structural, functional, and spatial information, amino acid conservation, physicochemical variation, residue mobility, and thermodynamic stability) performed at Invitae indicates that this missense variant is not expected to disrupt COG4 protein function with a negative predictive value of 80%. In summary, the available evidence is currently insufficient to determine the role of this variant in disease. Therefore, it has been classified as a Variant of Uncertain Significance.

Ambry Genetics
Classification: Uncertain significance for Inborn genetic diseases. Last evaluated: 2023-03-15. Review status: criteria provided, single submitter. Criteria: Ambry Variant Classification Scheme 2023. Collection method: clinical testing. Allele origin: germline.

GeneDx
Classification: Uncertain significance. Last evaluated: 2017-01-12. Review status: criteria provided, single submitter. Criteria: GeneDx Variant Classification (06012015). Collection method: clinical testing. Allele origin: germline. Affected: yes.
Comment: The N742S variant has not been published as a pathogenic variant, nor has it been reported as a benign variant to our knowledge. This variant is not observed at a significant frequency in large population cohorts (Lek et al., 2016; 1000 Genomes Consortium et al., 2015; Exome Variant Server). The N742S variant is a conservative amino acid substitution that occurs at a position that is conserved across species, and in silico analysis predicts this variant is probably damaging to the protein structure/function. Therefore, based on the currently available information, it is unclear whether this variant is a pathogenic variant or a rare benign variant.

NM_015386.3(COG4):c.2225A>G (p.Asn742Ser)

Gene: COG4 (component of oligomeric golgi complex 4; minus strand). Cytogenetic location: 16q22.1.
Variant type: single nucleotide variant.
Coding change: c.2225A>G on transcript NM_015386.3 (MANE Select); coding-DNA position 2225, A replaced by G.
Protein change: p.Asn742Ser; replaces asparagine 742 with serine.
Molecular consequence: missense variant. On other transcripts: non-coding transcript variant (1).
Genome position (GRCh38, 1-based): chr16:70,481,369, T>C on the plus strand (A>G on the coding strand, the complement: COG4 is on the minus strand). VCF-style: chr16-70481369-T-C. GRCh37 (hg19) VCF-style: chr16-70515272-T-C.
Other names: c.2150A>G, p.Asn717Ser (NM_001195139.2); c.1799A>G, p.Asn600Ser (NM_001365426.1); short protein forms N742S, N600S, N717S.
Identifiers: ClinVar variation 392503 (VCV000392503.11), dbSNP rs200259754, ClinGen allele CA8144009.